The following is an entry in ClinVar:

ClinVar aggregate classification (germline): Pathogenic (1 of 4 stars; one submission).

Conditions:
Nemaline myopathy 2 (NEM2). Also called: Nemaline myopathy 2, autosomal recessive. Identifiers: MedGen C1850569, MONDO:0009725, OMIM 256030.

Submission:

Labcorp Genetics (formerly Invitae), Labcorp
Classification: Pathogenic for Nemaline myopathy 2. Last evaluated: 2023-06-28. Review status: criteria provided, single submitter. Criteria: Invitae Variant Classification Sherloc (09022015). Collection method: clinical testing. Allele origin: germline.
Comment: For these reasons, this variant has been classified as Pathogenic. Retrotransposon insertions including LINE1 (L1), Alu, and SVA (SINE-VNTR-Alu) have been reported to be disease-causing through disruption of either a coding region or splice site (PMID: 19763152, 20307669, 22406018) and loss-of-function variants in NEB are known to be pathogenic (PMID: 25205138). Algorithms developed to predict the effect of sequence changes on RNA splicing suggest that this variant may disrupt the consensus splice site. This variant has not been reported in the literature in individuals affected with NEB-related conditions. This variant is not present in population databases (gnomAD no frequency). This sequence change creates a premature translational stop signal (p.Leu7346fs) in the NEB gene. It is expected to result in an absent or disrupted protein product. Loss-of-function variants in NEB are known to be pathogenic (PMID: 25205138).

Literature cited by the submitters: PubMed 19763152; PubMed 20307669; PubMed 22406018; PubMed 25205138.

NM_001164508.2(NEB):c.21933_21934insTTTTTTTTTTTTTTTTTTTTNNNNNNNNNNGTGATCCGCCCGCCTCGGCCTCCCAAAGTGCTGGGATTACAGGCGTGAGCCACCGCGCCCGGCCCAGGAATACTTTA (p.Ile7312delinsPhePhePhePhePhePheXaaXaaXaaXaaValIleArgProProArgProProLysValLeuGlyLeuGlnAlaTer)

Genes: NEB (nebulin; minus strand), RIF1 (replication timing regulatory factor 1; plus strand). Cytogenetic location: 2q23.3.
Variant type: Insertion.
Coding change: c.21933_21934insTTTTTTTTTTTTTTTTTTTTNNNNNNNNNNGTGATCCGCCCGCCTCGGCCTCCCAAAGTGCTGGGATTACAGGCGTGAGCCACCGCGCCCGGCCCAGGAATACTTTA on transcript NM_001164508.2 (MANE Select); coding-DNA positions 21933 to 21934, TTTTTTTTTTTTTTTTTTTTNNNNNNNNNNGTGATCCGCCCGCCTCGGCCTCCCAAAGTGCTGGGATTACAGGCGTGAGCCACCGCGCCCGGCCCAGGAATACTTTA inserted.
Protein change: p.Ile7312delinsPhePhePhePhePhePheXaaXaaXaaXaaValIleArgProProArgProProLysValLeuGlyLeuGlnAlaTer.
Molecular consequence: nonsense.
Genome position: GRCh38: chr2:151,526,942-151,526,943. GRCh37 (hg19): chr2:152,383,456-152,383,457.
Other names: c.21933_21934insTTTTTTTTTTTTTTTTTTTTNNNNNNNNNNGTGATCCGCCCGCCTCGGCCTCCCAAAGTGCTGGGATTACAGGCGTGAGCCACCGCGCCCGGCCCAGGAATACTTTA, p.Ile7312delinsPhePhePhePhePhePheXaaXaaXaaXaaValIleArgProProArgProProLysValLeuGlyLeuGlnAlaTer (NM_001164507.2); c.22038_22039insTTTTTTTTTTTTTTTTTTTTNNNNNNNNNNGTGATCCGCCCGCCTCGGCCTCCCAAAGTGCTGGGATTACAGGCGTGAGCCACCGCGCCCGGCCCAGGAATACTTTA, p.Ile7347delinsPhePhePhePhePhePheXaaXaaXaaXaaValIleArgProProArgProProLysValLeuGlyLeuGlnAlaTer (NM_001271208.2); c.16830_16831insTTTTTTTTTTTTTTTTTTTTNNNNNNNNNNGTGATCCGCCCGCCTCGGCCTCCCAAAGTGCTGGGATTACAGGCGTGAGCCACCGCGCCCGGCCCAGGAATACTTTA, p.Ile5611delinsPhePhePhePhePhePheXaaXaaXaaXaaValIleArgProProArgProProLysValLeuGlyLeuGlnAlaTer (NM_004543.5).
Identifiers: ClinVar variation 2731368 (VCV002731368.3), dbSNP rs2552124031.